The following is an entry in ClinVar:

ClinVar aggregate classification (germline): Uncertain significance. Review status: criteria provided, multiple submitters, no conflicts (2 of 4 stars). 2 submissions from 2 submitters: Uncertain significance (2). Last evaluated 2023-12-18.

Conditions:
Autosomal recessive limb-girdle muscular dystrophy type 2K. Also called: MUSCULAR DYSTROPHY-DYSTROGLYCANOPATHY (LIMB-GIRDLE), TYPE C, 1; MUSCULAR DYSTROPHY, LIMB-GIRDLE, TYPE 2K. Identifiers: Orphanet 86812, MedGen C1836373, MONDO:0012248, OMIM 609308.
Muscular dystrophy-dystroglycanopathy (congenital with impaired intellectual development), type B, 1. Also called: Muscular dystrophy-dystroglycanopathy (congenital with intellectual disability), type B1; MUSCULAR DYSTROPHY, CONGENITAL, POMT1-RELATED. Identifiers: MedGen C5436962, MONDO:0013159, OMIM 613155.
Walker-Warburg congenital muscular dystrophy. Also called: Muscular dystrophy-dystroglycanopathy, type A; Walker-Warburg syndrome. Identifiers: Orphanet 899, MedGen C0265221, MONDO:0000171.

Submissions (2):

Labcorp Genetics (formerly Invitae), Labcorp
Classification: Uncertain significance for Muscular dystrophy-dystroglycanopathy (congenital with impaired intellectual development), type B, 1; Walker-Warburg congenital muscular dystrophy; Autosomal recessive limb-girdle muscular dystrophy type 2K. Last evaluated: 2023-12-18. Review status: criteria provided, single submitter. Criteria: Invitae Variant Classification Sherloc (09022015). Collection method: clinical testing. Allele origin: germline.
Comment: This variant, c.1322_1323insACA, results in the insertion of 1 amino acid(s) of the POMT1 protein (p.Gln441dup), but otherwise preserves the integrity of the reading frame. This variant is present in population databases (rs773942978, gnomAD 0.004%). This variant has not been reported in the literature in individuals affected with POMT1-related conditions. ClinVar contains an entry for this variant (Variation ID: 503820). Experimental studies and prediction algorithms are not available or were not evaluated, and the functional significance of this variant is currently unknown. In summary, the available evidence is currently insufficient to determine the role of this variant in disease. Therefore, it has been classified as a Variant of Uncertain Significance.

GeneDx
Classification: Uncertain significance. Last evaluated: 2017-11-24. Review status: criteria provided, single submitter. Criteria: GeneDx Variant Classification (06012015). Collection method: clinical testing. Allele origin: germline. Affected: yes.
Comment: The c.1322_1323insACA variant has not been published as a pathogenic variant, nor has it been reported as a benign variant to our knowledge. The c.1322_1323insACA variant is not observed at a significant frequency in large population cohorts (Lek et al., 2016). The c.1322_1323insACA variant results in the in-frame duplication of a single Glutamine residue, denoted p.Gln441dup. Based on the currently available information, it is unclear whether this variant is a pathogenic variant or a rare benign variant.

NM_001077365.2(POMT1):c.1256_1257insACA (p.Gln419dup)

Gene: POMT1 (protein O-mannosyltransferase 1; plus strand). Cytogenetic location: 9q34.13.
Variant type: Insertion.
Coding change: c.1256_1257insACA on transcript NM_001077365.2 (MANE Select); coding-DNA positions 1256 to 1257, ACA inserted.
Protein change: p.Gln419dup; duplicates glutamine 419.
Molecular consequence: inframe insertion. On other transcripts: non-coding transcript variant (10).
Genome position: GRCh38 VCF-style: chr9-131515504-C-CCAA. GRCh37 (hg19) VCF-style: chr9-134390891-C-CCAA.
Other names: c.1094_1095insACA, p.Gln365dup (NM_001077366.2, NM_001353194.2); c.1256_1257insACA, p.Gln419dup (NM_001136113.2, NM_001374690.1); c.905_906insACA, p.Gln302dup (NM_001136114.2, NM_001353195.2, NM_001374691.1 and 2 more transcripts); c.1322_1323insACA, p.Gln441dup (NM_001353193.2, NM_007171.4); c.1166_1167insACA, p.Gln389dup (NM_001353196.2); c.1160_1161insACA, p.Gln387dup (NM_001353197.2, NM_001353198.2); c.971_972insACA, p.Gln324dup (NM_001353199.2); c.800_801insACA, p.Gln267dup (NM_001353200.2); and 2 more.
Identifiers: ClinVar variation 503820 (VCV000503820.6), dbSNP rs773942978, ClinGen allele CA5293594.